The following is an entry in ClinVar:

NC_000010.10:g.(?_97366519)_(97366720_?)dup

Gene: ALDH18A1 (aldehyde dehydrogenase 18 family member A1; minus strand). Cytogenetic location: 10q24.1.
Variant type: Duplication.
Identifiers: ClinVar variation 3244834 (VCV003244834.1).

ClinVar aggregate classification (germline): Uncertain significance (1 of 4 stars; one submission).

Conditions:
de Barsy syndrome. Also called: Cutis laxa-corneal clouding-oligophrenia syndrome. Identifiers: Orphanet 2962, MedGen C0268354, MONDO:0017569.
Cutis laxa, autosomal dominant 3 (ADCL3). Identifiers: Orphanet 90348, MedGen C4225268, MONDO:0014706, OMIM 616603.
Autosomal dominant spastic paraplegia type 9. Identifiers: MedGen C1832669, MONDO:0015091.

Submission:

Labcorp Genetics (formerly Invitae), Labcorp
Classification: Uncertain significance for Autosomal dominant spastic paraplegia type 9; de Barsy syndrome; Cutis laxa, autosomal dominant 3. Last evaluated: 2023-11-28. Review status: criteria provided, single submitter. Criteria: Invitae Variant Classification Sherloc (09022015). Collection method: clinical testing. Allele origin: unknown.
Comment: This variant results in a copy number gain of the genomic region encompassing exon(s) 18 of the ALDH18A1 gene. This region includes the termination codon of the gene. This copy number gain extends beyond the assayed region for this gene and therefore may encompass additional genes. As the precise location of this event is unknown, it may be in tandem or it may be located elsewhere in the genome. This variant has not been reported in the literature in individuals affected with ALDH18A1-related conditions. In summary, the available evidence is currently insufficient to determine the role of this variant in disease. Therefore, it has been classified as a Variant of Uncertain Significance.